The following is an entry in ClinVar:

ClinVar aggregate classification (germline): Benign. Review status: criteria provided, multiple submitters, no conflicts (2 of 4 stars). 2 submissions from 2 submitters: Benign (2). Last evaluated 2024-07-15.

Allele frequency attached by ClinVar (database versions not stated): 1000 Genomes Project 0.06949; 1000 Genomes Project 30x 0.07167; TOPMed 0.11495; gnomAD 0.12169 and 0.12357; gnomAD exomes 0.13582 and 0.15790; ExAC 0.14029.
gnomAD v4.1: 229,148 of 1,493,472 alleles (15%); highest among the groups gnomAD compares: Admixed American, 18%; 19,385 homozygotes.

Submissions (2):

Unidad de Genómica Garrahan, Hospital de Pediatría Garrahan
Classification: Benign. Last evaluated: 2024-07-15. Review status: criteria provided, single submitter. Criteria: ACMG Guidelines, 2015. Collection method: clinical testing. Allele origin: germline. Affected: no. Observed: 31 variant alleles.
Comment: This variant is classified as Benign based on local population frequency. This variant was detected in 33% of patients studied in a panel designed for Epileptic and Developmental Encephalopathy and Progressive Myoclonus Epilepsy. Number of patients: 31. Only high quality variants are reported.

GeneDx
Classification: Benign. Last evaluated: 2018-07-15. Review status: criteria provided, single submitter. Criteria: GeneDx Variant Classification Process June 2021. Collection method: clinical testing. Allele origin: germline. Affected: yes.

NM_152743.4(BRAT1):c.803+59C>T

Gene: BRAT1 (BRCA1 associated ATM activator 1; minus strand). Cytogenetic location: 7p22.3.
Variant type: single nucleotide variant.
Coding change: c.803+59C>T on transcript NM_152743.4 (MANE Select); 59 bases into the intron after coding-DNA position 803, C replaced by T.
Molecular consequence: intron variant.
Genome position (GRCh38, 1-based): chr7:2,543,531, G>A on the plus strand (C>T on the coding strand, the complement: BRAT1 is on the minus strand). VCF-style: chr7-2543531-G-A. GRCh37 (hg19) VCF-style: chr7-2583165-G-A.
Other names: c.278+59C>T (NM_001350627.2); c.803+59C>T (NM_001350626.2).
Identifiers: ClinVar variation 1247362 (VCV001247362.4), dbSNP rs13240450, ClinGen allele CA4128077.